The following is an entry in ClinVar:

NC_000011.9:g.(?_108106377)_(108236235_?)del

Gene: ATM (ATM serine/threonine kinase; plus strand). Cytogenetic location: 11q22.3.
Variant type: Deletion.
Identifiers: ClinVar variation 3244482 (VCV003244482.1).

ClinVar aggregate classification (germline): Pathogenic (1 of 4 stars; one submission).

Conditions:
Ataxia-telangiectasia syndrome (AT). Also called: LOUIS-BAR SYNDROME; Cerebello-oculocutaneous telangiectasia; Immunodeficiency with ataxia telangiectasia; AT, COMPLEMENTATION GROUP C; Ataxia-telangiectasia, complementation group D; ATAXIA-TELANGIECTASIA, COMPLEMENTATION GROUP A. Identifiers: Orphanet 100, MedGen C0004135, MONDO:0008840, OMIM 208900.

Submission:

Labcorp Genetics (formerly Invitae), Labcorp
Classification: Pathogenic for Ataxia-telangiectasia syndrome. Last evaluated: 2023-03-17. Review status: criteria provided, single submitter. Criteria: Invitae Variant Classification Sherloc (09022015). Collection method: clinical testing. Allele origin: unknown.
Comment: For these reasons, this variant has been classified as Pathogenic. This variant disrupts a region of the ATM protein in which other variant(s) (p.Arg3047*) have been determined to be pathogenic (PMID: 8755918, 10980530, 18560558, 19691550, 26628246). This suggests that this is a clinically significant region of the protein, and that variants that disrupt it are likely to be disease-causing. A similar copy number variant has been observed in individual(s) with ataxia-telangiectasia (Invitae). In at least one individual the data is consistent with being in trans (on the opposite chromosome) from a pathogenic variant. This variant is a gross deletion of the genomic region encompassing exon(s) 5-63 of the ATM gene, which includes the termination codon. This deletion extends beyond the assayed region for this gene and therefore may encompass additional genes. While this deletion is not anticipated to lead to nonsense mediated decay, it is expected to alter mRNA translation or result in a truncated protein product.

Literature cited by the submitters: PubMed 8755918; PubMed 10980530; PubMed 18560558; PubMed 19691550; PubMed 26628246.